The following is an entry in ClinVar:

NM_007194.4(CHEK2):c.792+9C>T

Gene: CHEK2 (checkpoint kinase 2; minus strand). Cytogenetic location: 22q12.1.
Variant type: single nucleotide variant.
Coding change: c.792+9C>T on transcript NM_007194.4 (MANE Select); 9 bases into the intron after coding-DNA position 792, C replaced by T.
Molecular consequence: intron variant.
Genome position (GRCh38, 1-based): chr22:28,711,900, G>A on the plus strand (C>T on the coding strand, the complement: CHEK2 is on the minus strand). VCF-style: chr22-28711900-G-A. GRCh37 (hg19) VCF-style: chr22-29107888-G-A.
Other names: c.129+9C>T (NM_001437942.1, NM_001257387.3); c.591+9C>T (NM_001349956.3); c.792+9C>T (NM_145862.3); c.885+9C>T (NM_001438295.1, NM_001438293.1); c.921+9C>T (NM_001438294.1, NM_001005735.3).
Identifiers: ClinVar variation 3652301 (VCV003652301.3).

ClinVar aggregate classification (germline): Likely benign. Review status: criteria provided, multiple submitters, no conflicts (2 of 4 stars). 2 submissions from 2 submitters: Likely benign (2). Last evaluated 2024-10-03.

Conditions:
Familial cancer of breast. Also called: hereditary breast carcinoma; BREAST CANCER, FAMILIAL; Hereditary breast cancer. Identifiers: Orphanet 227535, MedGen C0346153, MONDO:0016419, OMIM 114480. Disease mechanism: loss of function.

Submissions (2):

Myriad Genetics, Inc.
Classification: Likely benign for Familial cancer of breast. Last evaluated: 2024-10-03. Review status: criteria provided, single submitter. Criteria: Myriad Autosomal Dominant, Autosomal Recessive and X-Linked Classification Criteria (2023). Collection method: clinical testing. Allele origin: unknown.
Comment: This variant is considered likely benign. This variant is intronic and is not expected to impact mRNA splicing.

Labcorp Genetics (formerly Invitae), Labcorp
Classification: Likely benign for Familial cancer of breast. Last evaluated: 2024-05-06. Review status: criteria provided, single submitter. Criteria: Invitae Variant Classification Sherloc (09022015). Collection method: clinical testing. Allele origin: germline.